The following is an entry in ClinVar:

NM_000501.4(ELN):c.1594G>A (p.Ala532Thr)

Genes: ELN (elastin; plus strand), ELN-AS1 (ELN antisense RNA 1; minus strand). Cytogenetic location: 7q11.23.
Variant type: single nucleotide variant.
Coding change: c.1594G>A on transcript NM_000501.4 (MANE Select); coding-DNA position 1594, G replaced by A.
Protein change: p.Ala532Thr; replaces alanine 532 with threonine.
Molecular consequence: missense variant. On other transcripts: intron variant (1).
Genome position (GRCh38, 1-based): chr7:74,060,157, G>A. VCF-style: chr7-74060157-G-A. GRCh37 (hg19) VCF-style: chr7-73474487-G-A.
Other names: c.1507G>A, p.Ala503Thr (NM_001081752.3); c.1552G>A, p.Ala518Thr (NM_001081753.3); c.1609G>A, p.Ala537Thr (NM_001081754.3); c.1537G>A, p.Ala513Thr (NM_001081755.3); c.1594G>A, p.Ala532Thr (NM_001278912.2); c.1351G>A, p.Ala451Thr (NM_001278913.2); c.1522G>A, p.Ala508Thr (NM_001278914.2); c.1612G>A, p.Ala538Thr (NM_001278915.2); and 4 more; short protein forms A451T, A513T, A518T, A443T, A538T, A503T, A508T, A522T.
Identifiers: ClinVar variation 4776791 (VCV004776791.1).

ClinVar aggregate classification (germline): Uncertain significance (1 of 4 stars; one submission).

Conditions:
Supravalvar aortic stenosis (SVAS). Also called: Supravalvar aortic stenosis, Eisenberg type. Identifiers: Orphanet 3193, MedGen C0003499, MONDO:0008504, OMIM 185500, HP:0004381.

gnomAD v4.1: 1 of 1,614,100 alleles (0.000062%); highest among the groups gnomAD compares: Non-Finnish European, 0.000085%; no homozygotes.

Submission:

Labcorp Genetics (formerly Invitae), Labcorp
Classification: Uncertain significance for Supravalvar aortic stenosis. Last evaluated: 2025-07-13. Review status: criteria provided, single submitter. Criteria: Invitae Variant Classification Sherloc (09022015). Collection method: clinical testing. Allele origin: germline.
Comment: This sequence change replaces alanine, which is neutral and non-polar, with threonine, which is neutral and polar, at codon 561 of the ELN protein (p.Ala561Thr). This variant is not present in population databases (gnomAD no frequency). This variant has not been reported in the literature in individuals affected with ELN-related conditions. Invitae Evidence Modeling of protein sequence and biophysical properties (such as structural, functional, and spatial information, amino acid conservation, physicochemical variation, residue mobility, and thermodynamic stability) indicates that this missense variant is not expected to disrupt ELN protein function with a negative predictive value of 80%. In summary, the available evidence is currently insufficient to determine the role of this variant in disease. Therefore, it has been classified as a Variant of Uncertain Significance.